The following is an entry in ClinVar:

ClinVar aggregate classification (germline): Uncertain significance. Review status: criteria provided, single submitter (1 of 4 stars). 2 submissions from 2 submitters: Uncertain significance (1). 1 of the submissions does not count toward it. Last evaluated 2025-05-29.

Conditions:
Retinal dystrophy. Also called: Inherited retinal dystrophy. Identifiers: Orphanet 71862, MedGen C0854723, MeSH D058499, MONDO:0019118, HP:0000556.

Allele frequency attached by ClinVar (database versions not stated): ExAC 0.00003; gnomAD exomes 0.00003; gnomAD 0.00006 and 0.00007.
gnomAD v4.1: 33 of 1,613,938 alleles (0.002%); highest among the groups gnomAD compares: Middle Eastern, 0.016%; no homozygotes.

Submissions (2):

Labcorp Genetics (formerly Invitae), Labcorp
Classification: Uncertain significance. Last evaluated: 2025-05-29. Review status: criteria provided, single submitter. Criteria: Invitae Variant Classification Sherloc (09022015). Collection method: clinical testing. Allele origin: germline.
Comment: This sequence change replaces arginine, which is basic and polar, with cysteine, which is neutral and slightly polar, at codon 559 of the IMPDH1 protein (p.Arg559Cys). This variant is present in population databases (rs777346676, gnomAD 0.006%). This variant has not been reported in the literature in individuals affected with IMPDH1-related conditions. ClinVar contains an entry for this variant (Variation ID: 1413530). An algorithm developed to predict the effect of missense changes on protein structure and function (PolyPhen-2) suggests that this variant is likely to be disruptive. In summary, the available evidence is currently insufficient to determine the role of this variant in disease. Therefore, it has been classified as a Variant of Uncertain Significance.

Institute of Human Genetics, Univ. Regensburg, Univ. Regensburg
Classification: Uncertain significance for Retinal dystrophy. Last evaluated: 2019-01-01. Review status: no assertion criteria provided. Criteria: ACMG Guidelines, 2015. Collection method: clinical testing. Allele origin: germline. Affected: yes. Not counted in ClinVar's aggregate classification.

NM_000883.4(IMPDH1):c.1675C>T (p.Arg559Cys)

Gene: IMPDH1 (inosine monophosphate dehydrogenase 1; minus strand). Cytogenetic location: 7q32.1.
Variant type: single nucleotide variant.
Coding change: c.1675C>T on transcript NM_000883.4 (MANE Select); coding-DNA position 1675, C replaced by T.
Protein change: p.Arg559Cys; replaces arginine 559 with cysteine.
Molecular consequence: missense variant.
Genome position (GRCh38, 1-based): chr7:128,394,475, G>A on the plus strand (C>T on the coding strand, the complement: IMPDH1 is on the minus strand). VCF-style: chr7-128394475-G-A. GRCh37 (hg19) VCF-style: chr7-128034529-G-A.
Other names: c.1645C>T, p.Arg549Cys (NM_001102605.2); c.1420C>T, p.Arg474Cys (NM_001142573.2); c.1405C>T, p.Arg469Cys (NM_001142574.2); c.1345C>T, p.Arg449Cys (NM_001142575.2); c.1576C>T, p.Arg526Cys (NM_001142576.2); c.1468C>T, p.Arg490Cys (NM_001304521.2); c.1567C>T, p.Arg523Cys (NM_183243.3); short protein forms R449C, R474C, R523C, R559C, R490C, R549C, R469C, R526C.
Identifiers: ClinVar variation 1413530 (VCV001413530.9), dbSNP rs777346676, ClinGen allele CA4470759.